The following is an entry in ClinVar:

NM_172364.5(CACNA2D4):c.2183T>C (p.Phe728Ser)

Gene: CACNA2D4 (calcium voltage-gated channel auxiliary subunit alpha2delta 4; minus strand). Cytogenetic location: 12p13.33.
Variant type: single nucleotide variant.
Coding change: c.2183T>C on transcript NM_172364.5 (MANE Select); coding-DNA position 2183, T replaced by C.
Protein change: p.Phe728Ser; replaces phenylalanine 728 with serine.
Molecular consequence: missense variant.
Genome position (GRCh38, 1-based): chr12:1,854,014, A>G on the plus strand (T>C on the coding strand, the complement: CACNA2D4 is on the minus strand). VCF-style: chr12-1854014-A-G. GRCh37 (hg19) VCF-style: chr12-1963180-A-G.
Other names: short protein forms F728S.
Identifiers: ClinVar variation 1996202 (VCV001996202.4), dbSNP rs746241972, ClinGen allele CA6386808.

ClinVar aggregate classification (germline): Uncertain significance (1 of 4 stars; one submission).

Allele frequency attached by ClinVar (database versions not stated): gnomAD exomes below 0.00001; ExAC 0.00001.
gnomAD v4.1: 3 of 1,612,982 alleles (0.00019%); highest among the groups gnomAD compares: African/African-American, 0.0013%; no homozygotes.

Submission:

Labcorp Genetics (formerly Invitae), Labcorp
Classification: Uncertain significance. Last evaluated: 2022-05-18. Review status: criteria provided, single submitter. Criteria: Invitae Variant Classification Sherloc (09022015). Collection method: clinical testing. Allele origin: germline.
Comment: This sequence change replaces phenylalanine, which is neutral and non-polar, with serine, which is neutral and polar, at codon 728 of the CACNA2D4 protein (p.Phe728Ser). The frequency data for this variant in the population databases is considered unreliable, as metrics indicate poor data quality at this position in the gnomAD database. This variant has not been reported in the literature in individuals affected with CACNA2D4-related conditions. Algorithms developed to predict the effect of missense changes on protein structure and function are either unavailable or do not agree on the potential impact of this missense change (SIFT: "Deleterious"; PolyPhen-2: "Possibly Damaging"; Align-GVGD: "Class C0"). In summary, the available evidence is currently insufficient to determine the role of this variant in disease. Therefore, it has been classified as a Variant of Uncertain Significance.